The following is an entry in ClinVar:

NM_139058.3(ARX):c.306GGC[13] (p.Ala113_Ala115dup)

Genes: ARX (aristaless related homeobox; minus strand), LOC109610631 (aristaless related homeobox polyalanine expansion region; plus strand). Cytogenetic location: Xp21.3.
Variant type: Microsatellite.
Coding change: c.306GGC[13] on transcript NM_139058.3 (MANE Select); 13 copies in a row of the 3-base unit GGC starting at c.306; the reference has ten copies in a row; three copies, 9 bases duplicated.
Protein change: p.Ala113_Ala115dup.
Molecular consequence: inframe insertion.
Genome position (GRCh38, 1-based): chrX:25,013,660-25,013,668, GCCGCCGCC duplicated on the plus strand (GGCGGCGGC on the coding strand, the reverse complement: ARX is on the minus strand); duplicating any 9 consecutive bases within chrX:25,013,660-25,013,691 gives the same sequence; the position shown is the placement nearest the transcript's 3' end. VCF-style (leftmost placement, unchanged base first): chrX-25013659-T-TGCCGCCGCC. GRCh37 (hg19) VCF-style: chrX-25031776-T-TGCCGCCGCC.
Identifiers: ClinVar variation 195401 (VCV000195401.12), dbSNP rs387906492, ClinGen allele CA241827.

ClinVar aggregate classification (germline): Uncertain significance. Review status: criteria provided, multiple submitters, no conflicts (2 of 4 stars). 2 submissions from 2 submitters: Uncertain significance (2). Last evaluated 2025-12-13.

Conditions:
Intellectual disability, X-linked, with or without seizures, ARX-related. Also called: Mental retardation, X-linked 52; INTELLECTUAL DEVELOPMENTAL DISORDER, X-LINKED 29; MENTAL RETARDATION, X-LINKED 29; MENTAL RETARDATION, X-LINKED 32; MENTAL RETARDATION, X-LINKED 33; MENTAL RETARDATION, X-LINKED 38. Identifiers: Orphanet 777, MedGen C0796244, MONDO:0010317, OMIM 300419.
Developmental and epileptic encephalopathy, 1 (DEE1). Also called: X-linked infantile spasms; West's syndrome; Tonic spasms with clustering, arrest of psychomotor development and hypsarrhythmia on EEG; X-Linked Infantile Spasm Syndrome; INFANTILE SPASM SYNDROME, X-LINKED 1; Epileptic encephalopathy, early infantile, 1. Identifiers: MedGen C3463992, MONDO:0010632, OMIM 308350. Disease mechanism: loss of function.

Submissions (2):

Labcorp Genetics (formerly Invitae), Labcorp
Classification: Uncertain significance for Developmental and epileptic encephalopathy, 1; Intellectual disability, X-linked, with or without seizures, ARX-related. Last evaluated: 2025-12-13. Review status: criteria provided, single submitter. Criteria: Invitae Variant Classification Sherloc (09022015). Collection method: clinical testing. Allele origin: germline.
Comment: This variant, c.327_335dup, results in the insertion of 3 amino acid(s) of the ARX protein (p.Ala113_Ala115dup), but otherwise preserves the integrity of the reading frame. The frequency data for this variant in the population databases is considered unreliable, as metrics indicate insufficient coverage at this position in the gnomAD database. This variant has been observed in individual(s) with ARX-related conditions (PMID: 15199382, 26029707). This variant is also known as c.333_334ins(GCG)3, c.306GGC[13], c.306_308[13], and c.304ins(GCG)3. ClinVar contains an entry for this variant (Variation ID: 195401). In summary, the available evidence is currently insufficient to determine the role of this variant in disease. Therefore, it has been classified as a Variant of Uncertain Significance.

Eurofins Ntd Llc (ga)
Classification: Uncertain significance. Last evaluated: 2015-01-02. Review status: criteria provided, single submitter. Criteria: EGL Classification Definitions. Collection method: clinical testing. Allele origin: germline. Observed: 1 variant allele, 1 hemizygote.

Literature cited by the submitters: PubMed 15199382 (cited by Labcorp Genetics (formerly Invitae), Labcorp and Eurofins Ntd Llc (ga)); PubMed 26029707 (cited by Labcorp Genetics (formerly Invitae), Labcorp).